The following is an entry in ClinVar:

ClinVar aggregate classification (germline): Conflicting classifications of pathogenicity. Review status: criteria provided, conflicting classifications (1 of 4 stars). 2 submissions from 2 submitters: Likely pathogenic (1); Uncertain significance (1). Last evaluated 2022-11-17.

Allele frequency attached by ClinVar (database versions not stated): gnomAD exomes below 0.00001.

Submissions (2):

GeneDx
Classification: Likely pathogenic. Last evaluated: 2022-11-17. Review status: criteria provided, single submitter. Criteria: GeneDx Variant Classification Process June 2021. Collection method: clinical testing. Allele origin: germline. Affected: yes.
Comment: Has not been previously published as pathogenic or benign to our knowledge; Not observed at significant frequency in large population cohorts (gnomAD); In silico analysis supports that this missense variant has a deleterious effect on protein structure/function; Occurs in the triple helical domain and replaces a glycine in a canonical Gly-X-Y repeat; missense substitution of a canonical glycine residue is expected to disrupt normal protein folding and function, and this is an established mechanism of disease (Jovanovic et al., 2021); This variant is associated with the following publications: (PMID: 34007986)

Labcorp Genetics (formerly Invitae), Labcorp
Classification: Uncertain significance. Last evaluated: 2022-09-15. Review status: criteria provided, single submitter. Criteria: Invitae Variant Classification Sherloc (09022015). Collection method: clinical testing. Allele origin: germline.
Comment: In summary, the available evidence is currently insufficient to determine the role of this variant in disease. Therefore, it has been classified as a Variant of Uncertain Significance. Advanced modeling of protein sequence and biophysical properties (such as structural, functional, and spatial information, amino acid conservation, physicochemical variation, residue mobility, and thermodynamic stability) performed at Invitae indicates that this missense variant is expected to disrupt COL2A1 protein function. This variant has not been reported in the literature in individuals affected with COL2A1-related conditions. This variant is present in population databases (no rsID available, gnomAD 0.0009%). This sequence change replaces glycine, which is neutral and non-polar, with glutamic acid, which is acidic and polar, at codon 201 of the COL2A1 protein (p.Gly201Glu).

NM_001844.5(COL2A1):c.602G>A (p.Gly201Glu)

Gene: COL2A1 (collagen type II alpha 1 chain; minus strand). Cytogenetic location: 12q13.11.
Variant type: single nucleotide variant.
Coding change: c.602G>A on transcript NM_001844.5 (MANE Select); coding-DNA position 602, G replaced by A.
Protein change: p.Gly201Glu; replaces glycine 201 with glutamic acid.
Molecular consequence: missense variant.
Genome position (GRCh38, 1-based): chr12:47,996,555, C>T on the plus strand (G>A on the coding strand, the complement: COL2A1 is on the minus strand). VCF-style: chr12-47996555-C-T. GRCh37 (hg19) VCF-style: chr12-48390338-C-T.
Other names: c.395G>A, p.Gly132Glu (NM_033150.3); c.602G>A (NM_001844.4); short protein forms G201E, G132E.
Identifiers: ClinVar variation 1969248 (VCV001969248.6), dbSNP rs1203369669, ClinGen allele CA384524095.